The following is an entry in ClinVar:

ClinVar aggregate classification (germline): Pathogenic. Review status: reviewed by expert panel (3 of 4 stars). 9 submissions from 9 submitters: Pathogenic (1). 8 of the submissions do not count toward it. Last evaluated 2016-09-08.

Conditions:
Hereditary cancer-predisposing syndrome. Also called: Neoplastic Syndromes, Hereditary; Tumor predisposition; Hereditary Cancer Syndrome; Hereditary neoplastic syndrome. Identifiers: Orphanet 140162, MedGen C0027672, MeSH D009386, MONDO:0015356.
Hereditary breast ovarian cancer syndrome. Also called: Hereditary breast and ovarian cancer syndrome; Hereditary breast and ovarian cancer; Hereditary breast and ovarian cancer syndrome (HBOC); Breast and ovarian cancer; Hereditary breast and/or ovarian cancer syndrome; BRCA1- and BRCA2-Associated Hereditary Breast and Ovarian Cancer. Identifiers: Orphanet 145, MedGen C0677776, MeSH D061325, MONDO:0003582. Disease mechanism: loss of function.
Breast-ovarian cancer, familial, susceptibility to, 2 (BROVCA2). Also called: BRCA2 Hereditary Breast and Ovarian Cancer. Identifiers: Orphanet 145, MedGen C2675520, MONDO:0012933, OMIM 612555. Disease mechanism: loss of function.

Submissions (9):

Evidence-based Network for the Interpretation of Germline Mutant Alleles (ENIGMA)
Classification: Pathogenic for Breast-ovarian cancer, familial, susceptibility to, 2. Last evaluated: 2016-09-08. Review status: reviewed by expert panel. Criteria: ENIGMA BRCA1/2 Classification Criteria (2015). Collection method: curation. Allele origin: germline.
Comment: Variant allele predicted to encode a truncated non-functional protein.

Molecular Diagnostics Laboratory, Catalan Institute of Oncology
Classification: Pathogenic for Hereditary cancer-predisposing syndrome. Last evaluated: 2025-08-04. Review status: criteria provided, single submitter. Criteria: ClinGen BRCA1BRCA2 ACMG Specifications BRCA2 V1.0.0. Collection method: clinical testing. Allele origin: germline. Not counted in ClinVar's aggregate classification.
Comment: PVS1, PM5_Strong c.1597del, located in exon 10 of the BRCA2 gene, consists in the deletion of one nucleotide, causing a translational frameshift with a predicted alternate stop codon, p.(Thr533Leufs*25). This alteration is expected to result in loss of function by premature protein truncation and nonsense-mediated mRNA decay (PVS1, PM5_PTC_Strong). It is not present in the population database gnomAD v2.1.1, non cancer dataset. The SpliceAI algorithm predicts no significant impact on splicing. To our knowledge, neither relevant clinical data nor well-stablished functional studies have been reported for this variant. It has been reported in the ClinVar database (6x pathogenic), in the LOVD database (6x pathogenic), and classified as pathogenic in the BRCA Exchange database (�2016-09-08: Variant allele predicted to encode a truncated non-functional protein�). Based on the currently available evidence, c.1597del is classified as a pathogenic variant according to ClinGen ENIGMA BRCA1 and BRCA2 Expert Panel Specifications to the ACMG/AMP Variant Interpretation Guidelines for BRCA2 Version 1.0.0.

Quest Diagnostics Nichols Institute San Juan Capistrano
Classification: Pathogenic. Last evaluated: 2024-10-31. Review status: criteria provided, single submitter. Criteria: Quest Diagnostics criteria. Collection method: clinical testing. Allele origin: unknown. Not counted in ClinVar's aggregate classification.
Comment: The BRCA2 c.1597del (p.Thr533Leufs*25) variant alters the translational reading frame of the BRCA2 mRNA and causes the premature termination of BRCA2 protein synthesis. This variant has been reported in the published literature in individuals and families with breast and/or ovarian cancer (PMIDs: 30103829 (2018), 29446198 (2018), 28477318 (2018), 27153395 (2016), 17925560 (2007), 12955716 (2003), 11857748 (2002), 11843247 (2001)). Additionally, it has been seen as one of two biallelic pathogenic BRCA2 variants in an infant with Fanconi Anemia (PMID: 36721989 (2023)). This variant has not been reported in large, multi-ethnic general populations (Genome Aggregation Database). Based on the available information, this variant is classified as pathogenic.

Ambry Genetics
Classification: Pathogenic for Hereditary cancer-predisposing syndrome. Last evaluated: 2024-08-07. Review status: criteria provided, single submitter. Criteria: Ambry Variant Classification Scheme 2023. Collection method: clinical testing. Allele origin: germline. Not counted in ClinVar's aggregate classification.
Comment: The c.1597delA pathogenic mutation, located in coding exon 9 of the BRCA2 gene, results from a deletion of one nucleotide at nucleotide position 1597, causing a translational frameshift with a predicted alternate stop codon. This alteration, designated as 1825delA in some literature, has been reported in multiple families with breast and/or ovarian cancer (Llort G et al. Hum. Mutat. 2002 Mar;19:307; Vogel KJ et al. J. Clin. Oncol. 2007 Oct;25:4635-41). In addition to the clinical data presented in the literature, this alteration is expected to result in loss of function by premature protein truncation or nonsense-mediated mRNA decay. This variant is considered to be rare based on population cohorts in the Genome Aggregation Database (gnomAD). As such, this alteration is interpreted as a disease-causing mutation.

Labcorp Genetics (formerly Invitae), Labcorp
Classification: Pathogenic for Hereditary breast ovarian cancer syndrome. Last evaluated: 2023-11-12. Review status: criteria provided, single submitter. Criteria: Invitae Variant Classification Sherloc (09022015). Collection method: clinical testing. Allele origin: germline. Not counted in ClinVar's aggregate classification.
Comment: This sequence change creates a premature translational stop signal (p.Thr533Leufs*25) in the BRCA2 gene. It is expected to result in an absent or disrupted protein product. Loss-of-function variants in BRCA2 are known to be pathogenic (PMID: 20104584). This variant is not present in population databases (gnomAD no frequency). This premature translational stop signal has been observed in individual(s) with breast cancer (PMID: 11857748, 12955716, 28477318). This variant is also known as 1825delA. ClinVar contains an entry for this variant (Variation ID: 51152). For these reasons, this variant has been classified as Pathogenic.

Color Diagnostics, LLC DBA Color Health
Classification: Pathogenic for Hereditary cancer-predisposing syndrome. Last evaluated: 2022-07-11. Review status: criteria provided, single submitter. Criteria: ACMG Guidelines, 2015. Collection method: clinical testing. Allele origin: germline. Not counted in ClinVar's aggregate classification.
Comment: This variant deletes 1 nucleotide in exon 10 of the BRCA2 gene, creating a frameshift and premature translation stop signal. This variant is expected to result in an absent or non-functional protein product. This variant has been reported in individuals affected with breast or ovarian cancer (PMID: 11843247, 27153395, 28477318, 30103829). This variant has been reported in families with suspected hereditary breast and ovarian cancer syndrome and in 11 families among the CIMBA participants (PMID: 11857748, 12955716, 29446198). This variant has not been identified in the general population by the Genome Aggregation Database (gnomAD). Loss of BRCA2 function is a known mechanism of disease. Based on the available evidence, this variant is classified as Pathogenic.

Sema4
Classification: Pathogenic for Hereditary cancer-predisposing syndrome. Last evaluated: 2021-12-16. Review status: criteria provided, single submitter. Criteria: Sema4 Curation Guidelines. Collection method: curation. Allele origin: germline. Not counted in ClinVar's aggregate classification.
Comment: The BRCA2 c.1597delA (p.T533LfsX25) variant has been reported in heterozygosity in multiple individuals with breast and/or ovarian cancer (PMID: 11857748, 28477318, 12955716, 30103829, 29446198, among others). This variant causes a frameshift at amino acid 533 that results in premature termination 25 amino acids downstream. At this location, this is predicted to cause nonsense-mediated decay and result in an absent protein (loss of function). Loss of function variants in BRCA2 are known to be pathogenic (PMID: 29446198). This variant is not reported in the population database Genome Aggregation Database (PMID: 32461654). This variant has been reported in ClinVar (Variation ID: 51152). Based on the current evidence available, this variant is interpreted as pathogenic.

Consortium of Investigators of Modifiers of BRCA1/2 (CIMBA), c/o University of Cambridge
Classification: Pathogenic for Breast-ovarian cancer, familial, susceptibility to, 2. Last evaluated: 2015-10-02. Review status: criteria provided, single submitter. Criteria: CIMBA Mutation Classification guidelines May 2016. Collection method: clinical testing. Allele origin: germline. Not counted in ClinVar's aggregate classification.

Breast Cancer Information Core (BIC) (BRCA2)
Classification: Pathogenic for Breast-ovarian cancer, familial 2. Review status: no assertion criteria provided. Collection method: clinical testing. Allele origin: germline. Affected: yes. Observed: 2 variant alleles. Not counted in ClinVar's aggregate classification.

Literature cited by the submitters: PubMed 11843247 (cited by Quest Diagnostics Nichols Institute San Juan Capistrano and Color Diagnostics, LLC DBA Color Health); PubMed 12955716 (cited by 4 submitters); PubMed 17925560 (cited by Quest Diagnostics Nichols Institute San Juan Capistrano and Ambry Genetics); PubMed 27153395 (cited by Quest Diagnostics Nichols Institute San Juan Capistrano and Color Diagnostics, LLC DBA Color Health); PubMed 29446198 (cited by 3 submitters); PubMed 30103829 (cited by 3 submitters); PubMed 36721989 (cited by Quest Diagnostics Nichols Institute San Juan Capistrano); PubMed 28477318 (cited by 4 submitters); PubMed 11857748 (cited by 5 submitters); PubMed 20104584 (cited by Labcorp Genetics (formerly Invitae), Labcorp).

NM_000059.4(BRCA2):c.1597del (p.Thr533fs)

Gene: BRCA2 (BRCA2 DNA repair associated; plus strand). Cytogenetic location: 13q13.1.
Variant type: Deletion.
Coding change: c.1597del on transcript NM_000059.4 (MANE Select); coding-DNA position 1597, one base deleted (A; older notation c.1597delA).
Protein change: p.Thr533fs; shifts the reading frame from threonine 533.
Molecular consequence: frameshift variant.
Genome position (GRCh38, 1-based): chr13:32,333,075, A deleted; the last of 3 consecutive A bases (chr13:32,333,073-32,333,075); deleting any one gives the same sequence. VCF-style (leftmost placement, unchanged base first): chr13-32333072-GA-G. GRCh37 (hg19) VCF-style: chr13-32907209-GA-G.
Other names: 1825delA; c.1597delA (NM_000059.3).
Identifiers: ClinVar variation 51152 (VCV000051152.23), dbSNP rs80359292, ClinGen allele CA012572.